The following is an entry in ClinVar:

ClinVar aggregate classification (germline): Benign/Likely benign. Review status: criteria provided, multiple submitters, no conflicts (2 of 4 stars). 5 submissions from 5 submitters: Benign (4); Likely benign (1). Last evaluated 2026-01-15.

Conditions:
Hypohidrotic ectodermal dysplasia (HED). Identifiers: Orphanet 238468, MedGen C5848103, MONDO:0016535, HP:0007607.
Autosomal recessive hypohidrotic ectodermal dysplasia syndrome. Also called: Autosomal recessive hypohidrotic ectodermal dysplasia. Identifiers: Orphanet 248, MedGen C0406702, MONDO:0016619.
Ectodermal dysplasia 10A, hypohidrotic/hair/nail type, autosomal dominant (ECTD10A). Also called: Ectodermal Dysplasia 3, Anhidrotic. Identifiers: Orphanet 1810, Orphanet 238468, MedGen C3888065, MONDO:0007509, OMIM 129490.
HAIR MORPHOLOGY 1 (HRM1). Also called: HAIR THICKNESS, VARIATION IN. Identifiers: MedGen C2675460, OMIM 612630.
Ectodermal dysplasia 10B, hypohidrotic/hair/tooth type, autosomal recessive. Also called: Ectodermal Dysplasia, Hypohidrotic, Autosomal Recessive; Ectodermal dysplasia 10B, hypohidrotic/hair/tooth type, autosomal. Identifiers: Orphanet 238468, Orphanet 248, MedGen C3887494, MONDO:0009147, OMIM 224900.

Allele frequency attached by ClinVar (database versions not stated): gnomAD 0.00388 and 0.00469; ESP Exome Variant Server 0.00492; ExAC 0.00785; TOPMed 0.00464; gnomAD exomes 0.00754 and 0.00706; 1000 Genomes Project 0.01098; 1000 Genomes Project 30x 0.01140.
gnomAD v4.1: 10,992 of 1,613,166 alleles (0.68%); highest among the groups gnomAD compares: East Asian, 3%; 84 homozygotes.

Submissions (5):

Labcorp Genetics (formerly Invitae), Labcorp
Classification: Benign for Ectodermal dysplasia 10A, hypohidrotic/hair/nail type, autosomal dominant; Autosomal recessive hypohidrotic ectodermal dysplasia syndrome. Last evaluated: 2026-01-15. Review status: criteria provided, single submitter. Criteria: Invitae Variant Classification Sherloc (09022015). Collection method: clinical testing. Allele origin: germline.

Fulgent Genetics
Classification: Likely benign for Ectodermal dysplasia 10A, hypohidrotic/hair/nail type, autosomal dominant; Ectodermal dysplasia 10B, hypohidrotic/hair/tooth type, autosomal recessive; HAIR MORPHOLOGY 1. Last evaluated: 2022-04-11. Review status: criteria provided, single submitter. Criteria: ACMG Guidelines, 2015. Collection method: clinical testing. Allele origin: unknown.

Illumina Laboratory Services, Illumina
Classification: Benign for Hypohidrotic ectodermal dysplasia. Last evaluated: 2018-01-13. Review status: criteria provided, single submitter. Criteria: ICSL Variant Classification Criteria 13 December 2019. Collection method: clinical testing. Allele origin: germline.
Comment: This variant was observed in the ICSL laboratory as part of a predisposition screen in an ostensibly healthy population. It had not been previously curated by ICSL or reported in the Human Gene Mutation Database (HGMD: prior to June 1st, 2018), and was therefore a candidate for classification through an automated scoring system. Utilizing variant allele frequency, disease prevalence and penetrance estimates, and inheritance mode, an automated score was calculated to assess if this variant is too frequent to cause the disease. Based on the score and internal cut-off values, a variant classified as benign is not then subjected to further curation. The score for this variant resulted in a classification of benign for this disease.

GeneDx
Classification: Benign. Last evaluated: 2015-03-03. Review status: criteria provided, single submitter. Criteria: GeneDx Variant Classification Process June 2021. Collection method: clinical testing. Allele origin: germline. Affected: yes.

Breakthrough Genomics
Classification: Benign. Review status: criteria provided, single submitter. Criteria: ACMG Guidelines, 2015. Collection method: not provided. Allele origin: germline. Inheritance: Autosomal recessive inheritance. Affected: yes.

NM_022336.4(EDAR):c.723G>A (p.Glu241=)

Genes: EDAR (ectodysplasin A receptor; minus strand), RANBP2 (RAN binding protein 2; plus strand). Cytogenetic location: 2q13.
Variant type: single nucleotide variant.
Coding change: c.723G>A on transcript NM_022336.4 (MANE Select); coding-DNA position 723, G replaced by A.
Protein change: p.Glu241=; no amino-acid change (glutamic acid 241 retained).
Molecular consequence: synonymous variant.
Genome position (GRCh38, 1-based): chr2:108,910,783, C>T on the plus strand (G>A on the coding strand, the complement: EDAR is on the minus strand). VCF-style: chr2-108910783-C-T. GRCh37 (hg19) VCF-style: chr2-109527239-C-T.
Identifiers: ClinVar variation 463881 (VCV000463881.17), dbSNP rs3749108, ClinGen allele CA1824967.